The following is an entry in ClinVar:

NM_001005373.4(LRSAM1):c.175-12C>T

Gene: LRSAM1 (leucine rich repeat and sterile alpha motif containing 1; plus strand). Cytogenetic location: 9q33.3.
Variant type: single nucleotide variant.
Coding change: c.175-12C>T on transcript NM_001005373.4 (MANE Select); 12 bases into the intron before coding-DNA position 175, C replaced by T.
Molecular consequence: intron variant.
Genome position (GRCh38, 1-based): chr9:127,457,304, C>T. VCF-style: chr9-127457304-C-T. GRCh37 (hg19) VCF-style: chr9-130219583-C-T.
Other names: c.175-12C>T (NM_138361.5, NM_001384142.1, NM_001384143.1 and 2 more transcripts); c.-610-12C>T (NM_001384144.1).
Identifiers: ClinVar variation 513204 (VCV000513204.7), dbSNP rs1167547039, ClinGen allele CA590592392.

ClinVar aggregate classification (germline): Likely benign. Review status: criteria provided, multiple submitters, no conflicts (2 of 4 stars). 2 submissions from 2 submitters: Likely benign (2). Last evaluated 2023-01-26.

Conditions:
Charcot-Marie-Tooth disease axonal type 2P. Also called: Charcot-Marie-Tooth Neuropathy Type 2G; CHARCOT-MARIE-TOOTH DISEASE, AXONAL, TYPE 2G; CMT 2G; CHARCOT-MARIE-TOOTH NEUROPATHY, TYPE 2P. Identifiers: Orphanet 300319, Orphanet 99941, MedGen C3280797, MONDO:0013753, OMIM 614436.

Allele frequency attached by ClinVar (database versions not stated): gnomAD exomes below 0.00001; TOPMed below 0.00001.
gnomAD v4.1: 8 of 1,613,996 alleles (0.0005%); highest among the groups gnomAD compares: Admixed American, 0.0017%; no homozygotes.

Submissions (2):

Labcorp Genetics (formerly Invitae), Labcorp
Classification: Likely benign for Charcot-Marie-Tooth disease axonal type 2P. Last evaluated: 2023-01-26. Review status: criteria provided, single submitter. Criteria: Invitae Variant Classification Sherloc (09022015). Collection method: clinical testing. Allele origin: germline.

GeneDx
Classification: Likely benign. Last evaluated: 2017-11-07. Review status: criteria provided, single submitter. Criteria: GeneDx Variant Classification (06012015). Collection method: clinical testing. Allele origin: germline. Affected: yes.
Comment: This variant is considered likely benign or benign based on one or more of the following criteria: it is a conservative change, it occurs at a poorly conserved position in the protein, it is predicted to be benign by multiple in silico algorithms, and/or has population frequency not consistent with disease.